The following is an entry in ClinVar:

NM_000179.3(MSH6):c.2603_2609del (p.Met868fs)

Gene: MSH6 (mutS homolog 6; plus strand). Cytogenetic location: 2p16.3.
Variant type: Deletion.
Coding change: c.2603_2609del on transcript NM_000179.3 (MANE Select); coding-DNA positions 2603 to 2609, 7 bases deleted (TGTGTAA; older notation c.2603_2609delTGTGTAA).
Protein change: p.Met868fs; shifts the reading frame from methionine 868.
Molecular consequence: frameshift variant.
Genome position (GRCh38, 1-based): chr2:47,800,586-47,800,592, TGTGTAA deleted; deleting any 7 consecutive bases within chr2:47,800,582-47,800,592 gives the same sequence; the c. name uses the placement nearest the transcript's 3' end. VCF-style (leftmost placement, unchanged base first): chr2-47800581-AGTAATGT-A. GRCh37 (hg19) VCF-style: chr2-48027720-AGTAATGT-A.
Other names: c.2213_2219del, p.Met738fs (NM_001281492.2); c.1697_1703del, p.Met566fs (NM_001281493.2, NM_001281494.2); c.2699_2705delTGTGTAA, p.Met900Lysfs (NM_001406795.1, NM_001406802.1); c.2603_2609delTGTGTAA, p.Met868Lysfs (NM_001406796.1, NM_001406798.1, NM_001406800.1 and 2 more transcripts); c.2306_2312delTGTGTAA, p.Met769Lysfs (NM_001406797.1, NM_001406801.1, NM_001406805.1 and 10 more transcripts); c.2078_2084delTGTGTAA, p.Met693Lysfs (NM_001406799.1, NM_001406806.1, NM_001406807.1); c.2525_2531delTGTGTAA, p.Met842Lysfs (NM_001406804.1); c.1697_1703delTGTGTAA, p.Met566Lysfs (NM_001406811.1, NM_001406812.1, NM_001406814.1 and 4 more transcripts); and 2 more; short protein forms M566fs, M738fs, M868fs.
Identifiers: ClinVar variation 1793698 (VCV001793698.2), dbSNP rs2530682112, ClinGen allele CA2580067959.

ClinVar aggregate classification (germline): Pathogenic (1 of 4 stars; one submission).

Conditions:
Hereditary cancer-predisposing syndrome. Also called: Tumor predisposition; Hereditary Cancer Syndrome; Neoplastic Syndromes, Hereditary; Hereditary neoplastic syndrome. Identifiers: Orphanet 140162, MedGen C0027672, MeSH D009386, MONDO:0015356.

Submission:

Ambry Genetics
Classification: Pathogenic for Hereditary cancer-predisposing syndrome. Last evaluated: 2022-06-21. Review status: criteria provided, single submitter. Criteria: Ambry Variant Classification Scheme 2023. Collection method: clinical testing. Allele origin: germline.
Comment: The c.2603_2609delTGTGTAA pathogenic mutation, located in coding exon 4 of the MSH6 gene, results from a deletion of 7 nucleotides at nucleotide positions 2603 to 2609, causing a translational frameshift with a predicted alternate stop codon (p.M868Kfs*3). This alteration is expected to result in loss of function by premature protein truncation or nonsense-mediated mRNA decay. As such, this alteration is interpreted as a disease-causing mutation.